The following is an entry in ClinVar:

NM_001243279.3(ACSF3):c.1494C>G (p.Ser498Arg)

Gene: ACSF3 (acyl-CoA synthetase family member 3; plus strand). Cytogenetic location: 16q24.3.
Variant type: single nucleotide variant.
Coding change: c.1494C>G on transcript NM_001243279.3 (MANE Select); coding-DNA position 1494, C replaced by G.
Protein change: p.Ser498Arg; replaces serine 498 with arginine.
Molecular consequence: missense variant. On other transcripts: non-coding transcript variant (4).
Genome position (GRCh38, 1-based): chr16:89,145,394, C>G. VCF-style: chr16-89145394-C-G. GRCh37 (hg19) VCF-style: chr16-89211802-C-G.
Other names: c.1494C>G, p.Ser498Arg (NM_001127214.4, NM_174917.5); c.699C>G, p.Ser233Arg (NM_001284316.2); short protein forms S233R, S498R.
Identifiers: ClinVar variation 2134032 (VCV002134032.1), dbSNP rs746403921, ClinGen allele CA8238236.

ClinVar aggregate classification (germline): Uncertain significance (1 of 4 stars; one submission).

Conditions:
Combined malonic and methylmalonic acidemia. Identifiers: Orphanet 289504, MedGen C3280314, MONDO:0013661, OMIM 614265.

Allele frequency attached by ClinVar (database versions not stated): ExAC 0.00001.

Submission:

Labcorp Genetics (formerly Invitae), Labcorp
Classification: Uncertain significance for Combined malonic and methylmalonic acidemia. Last evaluated: 2022-06-15. Review status: criteria provided, single submitter. Criteria: Invitae Variant Classification Sherloc (09022015). Collection method: clinical testing. Allele origin: germline.
Comment: This sequence change replaces serine, which is neutral and polar, with arginine, which is basic and polar, at codon 498 of the ACSF3 protein (p.Ser498Arg). This variant is present in population databases (rs746403921, gnomAD 0.0009%). This variant has not been reported in the literature in individuals affected with ACSF3-related conditions. Algorithms developed to predict the effect of missense changes on protein structure and function (SIFT, PolyPhen-2, Align-GVGD) all suggest that this variant is likely to be tolerated. In summary, the available evidence is currently insufficient to determine the role of this variant in disease. Therefore, it has been classified as a Variant of Uncertain Significance.